The following is an entry in ClinVar:

ClinVar aggregate classification (germline): Uncertain significance (1 of 4 stars; one submission).

Submission:

Ambry Genetics
Classification: Uncertain significance. Last evaluated: 2025-06-08. Review status: criteria provided, single submitter. Criteria: Ambry Variant Classification Scheme 2023. Collection method: clinical testing. Allele origin: germline.
Comment: The p.V481L variant (also known as c.1441G>C), located in coding exon 2 of the CDK12 gene, results from a G to C substitution at nucleotide position 1441. The valine at codon 481 is replaced by leucine, an amino acid with highly similar properties. This amino acid position is conserved. In addition, this alteration is predicted to be tolerated by in silico analysis. Based on the available evidence, the clinical significance of this variant remains unclear.

NM_016507.4(CDK12):c.1441G>C (p.Val481Leu)

Gene: CDK12 (cyclin dependent kinase 12; plus strand). Cytogenetic location: 17q12.
Variant type: single nucleotide variant.
Coding change: c.1441G>C on transcript NM_016507.4 (MANE Select); coding-DNA position 1441, G replaced by C.
Protein change: p.Val481Leu; replaces valine 481 with leucine.
Molecular consequence: missense variant.
Genome position (GRCh38, 1-based): chr17:39,471,273, G>C. VCF-style: chr17-39471273-G-C. GRCh37 (hg19) VCF-style: chr17-37627526-G-C.
Other names: c.1441G>C, p.Val481Leu (NM_015083.4); short protein forms V481L.
Identifiers: ClinVar variation 3999544 (VCV003999544.1).
Genomic context (GRCh38, chr17:39,471,273, plus strand): 5'-GAACTGGTGAATGTAACACATCTAAACACAGAGGTAAAAAATTCTTCAGATACAGGGAAA[G>C]TAAAGTTGGATGAGAACTCCGAGAAGCATCTTGTTAAAGATTTGAAAGCACAGGGAACAA-3'
Protein context (NP_057591.2, residues 471-491): EVKNSSDTGK[Val481Leu]KLDENSEKHL